The following is an entry in ClinVar:

ClinVar aggregate classification (germline): Uncertain significance. Review status: criteria provided, multiple submitters, no conflicts (2 of 4 stars). 2 submissions from 2 submitters: Uncertain significance (2). Last evaluated 2022-04-07.

Conditions:
Inborn genetic diseases. Identifiers: MedGen C0950123, MeSH D030342.

Submissions (2):

GeneDx
Classification: Uncertain significance. Last evaluated: 2022-04-07. Review status: criteria provided, single submitter. Criteria: GeneDx Variant Classification Process June 2021. Collection method: clinical testing. Allele origin: germline. Affected: yes.
Comment: Not observed at significant frequency in large population cohorts (gnomAD); In silico analysis supports that this missense variant has a deleterious effect on protein structure/function; Has not been previously published as pathogenic or benign to our knowledge; This variant is associated with the following publications: (PMID: 26100331, 25609763, 25512093)

Ambry Genetics
Classification: Uncertain significance for Inborn genetic diseases. Last evaluated: 2016-12-29. Review status: criteria provided, single submitter. Criteria: Ambry Variant Classification Scheme 2023. Collection method: clinical testing. Allele origin: germline.
Comment: The p.P4165L variant (also known as c.12494C>T), located in coding exon 69 of the DYNC1H1 gene, results from a C to T substitution at nucleotide position 12494. The proline at codon 4165 is replaced by leucine, an amino acid with similar properties. This amino acid position is highly conserved in available vertebrate species. In addition, the in silico prediction for this alteration is inconclusive. Since supporting evidence is limited at this time, the clinical significance of this alteration remains unclear.

NM_001376.5(DYNC1H1):c.12494C>T (p.Pro4165Leu)

Gene: DYNC1H1 (dynein cytoplasmic 1 heavy chain 1; plus strand). Cytogenetic location: 14q32.31.
Variant type: single nucleotide variant.
Coding change: c.12494C>T on transcript NM_001376.5 (MANE Select); coding-DNA position 12494, C replaced by T.
Protein change: p.Pro4165Leu; replaces proline 4165 with leucine.
Molecular consequence: missense variant.
Genome position (GRCh38, 1-based): chr14:102,042,729, C>T. VCF-style: chr14-102042729-C-T. GRCh37 (hg19) VCF-style: chr14-102509066-C-T.
Other names: short protein forms P4165L.
Identifiers: ClinVar variation 588615 (VCV000588615.7), dbSNP rs1567022806, ClinGen allele CA391041703.